The following is an entry in ClinVar:

NM_003978.5(PSTPIP1):c.1183G>A (p.Gly395Ser)

Gene: PSTPIP1 (proline-serine-threonine phosphatase interacting protein 1; plus strand). Cytogenetic location: 15q24.3.
Variant type: single nucleotide variant.
Coding change: c.1183G>A on transcript NM_003978.5 (MANE Select); coding-DNA position 1183, G replaced by A.
Protein change: p.Gly395Ser; replaces glycine 395 with serine.
Molecular consequence: missense variant. On other transcripts: non-coding transcript variant (1).
Genome position (GRCh38, 1-based): chr15:77,037,108, G>A. VCF-style: chr15-77037108-G-A. GRCh37 (hg19) VCF-style: chr15-77329449-G-A.
Other names: c.1126G>A, p.Gly376Ser (NM_001321135.2); c.1156G>A, p.Gly386Ser (NM_001321136.2); c.1378G>A, p.Gly460Ser (NM_001321137.1); short protein forms G460S, G376S, G395S, G386S.
Identifiers: ClinVar variation 854353 (VCV000854353.13), dbSNP rs142544259, ClinGen allele CA7676220.

ClinVar aggregate classification (germline): Uncertain significance. Review status: criteria provided, multiple submitters, no conflicts (2 of 4 stars). 4 submissions from 4 submitters: Uncertain significance (4). Last evaluated 2025-01-20.

Conditions:
Inborn genetic diseases. Identifiers: MedGen C0950123, MeSH D030342.
Pyogenic arthritis-pyoderma gangrenosum-acne syndrome (PAPA). Also called: PAPA SYNDROME; FAMILIAL RECURRENT ARTHRITIS. Identifiers: Orphanet 69126, MedGen C1858361, MONDO:0011462, OMIM 604416.

Allele frequency attached by ClinVar (database versions not stated): gnomAD exomes below 0.00001 and 0.00004; gnomAD 0.00002 and 0.00003; TOPMed 0.00002; ExAC 0.00004; 1000 Genomes Project 30x 0.00031; 1000 Genomes Project 0.00040.
gnomAD v4.1: 16 of 1,612,414 alleles (0.00099%); highest among the groups gnomAD compares: East Asian, 0.02%; no homozygotes.

Submissions (4):

Labcorp Genetics (formerly Invitae), Labcorp
Classification: Uncertain significance for Pyogenic arthritis-pyoderma gangrenosum-acne syndrome. Last evaluated: 2025-01-20. Review status: criteria provided, single submitter. Criteria: Invitae Variant Classification Sherloc (09022015). Collection method: clinical testing. Allele origin: germline.
Comment: This sequence change replaces glycine, which is neutral and non-polar, with serine, which is neutral and polar, at codon 395 of the PSTPIP1 protein (p.Gly395Ser). The frequency data for this variant in the population databases is considered unreliable, as metrics indicate poor data quality at this position in the gnomAD database. This variant has not been reported in the literature in individuals affected with PSTPIP1-related conditions. ClinVar contains an entry for this variant (Variation ID: 854353). Invitae Evidence Modeling of protein sequence and biophysical properties (such as structural, functional, and spatial information, amino acid conservation, physicochemical variation, residue mobility, and thermodynamic stability) indicates that this missense variant is expected to disrupt PSTPIP1 protein function with a positive predictive value of 80%. In summary, the available evidence is currently insufficient to determine the role of this variant in disease. Therefore, it has been classified as a Variant of Uncertain Significance.

GeneDx
Classification: Uncertain significance. Last evaluated: 2024-05-29. Review status: criteria provided, single submitter. Criteria: GeneDx Variant Classification Process June 2021. Collection method: clinical testing. Allele origin: germline. Affected: yes.
Comment: In silico analysis supports that this missense variant has a deleterious effect on protein structure/function; Has not been previously published as pathogenic or benign to our knowledge

Ambry Genetics
Classification: Uncertain significance for Inborn genetic diseases. Last evaluated: 2021-06-22. Review status: criteria provided, single submitter. Criteria: Ambry Variant Classification Scheme 2023. Collection method: clinical testing. Allele origin: germline.

Center for Genomics, Ann and Robert H. Lurie Children's Hospital of Chicago
Classification: Uncertain significance for Pyogenic arthritis-pyoderma gangrenosum-acne syndrome. Last evaluated: 2021-03-30. Review status: criteria provided, single submitter. Criteria: ACMG Guidelines, 2015. Collection method: clinical testing. Allele origin: germline.
Comment: PSTPIP1 NM_003978.4 exon 15 p.Gly395Ser (c.1183G>A): This variant has not been reported in the literature but is present in 0.04% (9/19522) of East Asian alleles in the Genome Aggregation Database. This variant is present in ClinVar (Variation ID:854353). Evolutionary conservation suggests that this variant may impact the protein; computational predictive tools are unclear. In summary, data on this variant is insufficient for disease classification. Therefore, the clinical significance of this variant is uncertain.